The following is an entry in ClinVar:

ClinVar aggregate classification (germline): Uncertain significance (1 of 4 stars; one submission).

Submission:

Labcorp Genetics (formerly Invitae), Labcorp
Classification: Uncertain significance. Last evaluated: 2023-03-31. Review status: criteria provided, single submitter. Criteria: Invitae Variant Classification Sherloc (09022015). Collection method: clinical testing. Allele origin: germline.
Comment: In summary, the available evidence is currently insufficient to determine the role of this variant in disease. Therefore, it has been classified as a Variant of Uncertain Significance. This variant has not been reported in the literature in individuals affected with HYOU1-related conditions. This variant is not present in population databases (gnomAD no frequency). This sequence change affects codon 270 of the HYOU1 mRNA. It is a 'silent' change, meaning that it does not change the encoded amino acid sequence of the HYOU1 protein.

NM_006389.5(HYOU1):c.808C>T (p.Leu270=)

Gene: HYOU1 (hypoxia up-regulated 1; minus strand). Cytogenetic location: 11q23.3.
Variant type: single nucleotide variant.
Coding change: c.808C>T on transcript NM_006389.5 (MANE Select); coding-DNA position 808, C replaced by T.
Protein change: p.Leu270=; no amino-acid change (leucine 270 retained).
Molecular consequence: synonymous variant.
Genome position (GRCh38, 1-based): chr11:119,052,816, G>A on the plus strand (C>T on the coding strand, the complement: HYOU1 is on the minus strand). VCF-style: chr11-119052816-G-A. GRCh37 (hg19) VCF-style: chr11-118923528-G-A.
Other names: c.808C>T, p.Leu270= (NM_001130991.3, NM_001411041.1).
Identifiers: ClinVar variation 2851318 (VCV002851318.3), dbSNP rs2497177563, ClinGen allele CA2739271769.
Genomic context (GRCh38, chr11:119,052,816, plus strand): 5'-GCTCATTGAAAAGCCCAGCCAGGCGTTCTCGAAGCCGGAGCTCCATCTCCAGGCCCCCCA[G>A]GGTACGGTCAAATCTGTTGAGAAAAGGGAGCAGGGAAAAAAGTGAAGAACACATGGAGTC-3'
Protein context (NP_006380.1, residues 260-280): QIRGVGFDRT[Leu270=]GGLEMELRLR